The following is an entry in ClinVar:

NM_000465.4(BARD1):c.98C>T (p.Ala33Val)

Gene: BARD1 (BRCA1 associated RING domain 1; minus strand). Cytogenetic location: 2q35.
Variant type: single nucleotide variant.
Coding change: c.98C>T on transcript NM_000465.4 (MANE Select); coding-DNA position 98, C replaced by T.
Protein change: p.Ala33Val; replaces alanine 33 with valine.
Molecular consequence: missense variant. On other transcripts: non-coding transcript variant (3).
Genome position (GRCh38, 1-based): chr2:214,809,472, G>A on the plus strand (C>T on the coding strand, the complement: BARD1 is on the minus strand). VCF-style: chr2-214809472-G-A. GRCh37 (hg19) VCF-style: chr2-215674196-G-A.
Other names: c.98C>T, p.Ala33Val (NM_001282543.2, NM_001282545.2, NM_001282548.2 and 1 more transcripts); short protein forms A33V.
Identifiers: ClinVar variation 648248 (VCV000648248.18), dbSNP rs1559454402, ClinGen allele CA350465041.

ClinVar aggregate classification (germline): Conflicting classifications of pathogenicity. Review status: criteria provided, conflicting classifications (1 of 4 stars). 4 submissions from 4 submitters: Uncertain significance (3); Likely benign (1). Last evaluated 2025-11-09.

Conditions:
Hereditary cancer-predisposing syndrome. Also called: Neoplastic Syndromes, Hereditary; Tumor predisposition; Hereditary Cancer Syndrome; Hereditary neoplastic syndrome. Identifiers: Orphanet 140162, MedGen C0027672, MeSH D009386, MONDO:0015356.
Familial cancer of breast. Also called: hereditary breast carcinoma; Hereditary breast cancer; BREAST CANCER, FAMILIAL. Identifiers: Orphanet 227535, MedGen C0346153, MONDO:0016419, OMIM 114480. Disease mechanism: loss of function.

Allele frequency attached by ClinVar (database versions not stated): gnomAD exomes below 0.00001; TOPMed below 0.00001.
gnomAD v4.1: 1 of 1,610,374 alleles (0.000062%); highest among the groups gnomAD compares: East Asian, 0.0022%; no homozygotes.

Submissions (4):

Labcorp Genetics (formerly Invitae), Labcorp
Classification: Uncertain significance for Familial cancer of breast. Last evaluated: 2025-11-09. Review status: criteria provided, single submitter. Criteria: Invitae Variant Classification Sherloc (09022015). Collection method: clinical testing. Allele origin: germline.
Comment: This sequence change replaces alanine, which is neutral and non-polar, with valine, which is neutral and non-polar, at codon 33 of the BARD1 protein (p.Ala33Val). This variant is not present in population databases (gnomAD no frequency). This variant has not been reported in the literature in individuals affected with BARD1-related conditions. ClinVar contains an entry for this variant (Variation ID: 648248). An algorithm developed to predict the effect of missense changes on protein structure and function outputs the following: PolyPhen-2: "Benign". The valine amino acid residue is found in multiple mammalian species, which suggests that this missense change does not adversely affect protein function. In summary, the available evidence is currently insufficient to determine the role of this variant in disease. Therefore, it has been classified as a Variant of Uncertain Significance.

Ambry Genetics
Classification: Likely benign for Hereditary cancer-predisposing syndrome. Last evaluated: 2023-12-04. Review status: criteria provided, single submitter. Criteria: Ambry Variant Classification Scheme 2023. Collection method: clinical testing. Allele origin: germline.

Women's Health and Genetics/Laboratory Corporation of America, LabCorp
Classification: Uncertain significance. Last evaluated: 2023-03-10. Review status: criteria provided, single submitter. Criteria: LabCorp Variant Classification Summary - May 2015. Collection method: clinical testing. Allele origin: germline.

Illumina Laboratory Services, Illumina
Classification: Uncertain significance for Familial cancer of breast. Last evaluated: 2018-01-13. Review status: criteria provided, single submitter. Criteria: ICSL Variant Classification Criteria 13 December 2019. Collection method: clinical testing. Allele origin: germline.